The following is an entry in ClinVar:

ClinVar aggregate classification (germline): Pathogenic (1 of 4 stars; one submission).

Conditions:
Autosomal recessive ataxia, Beauce type. Also called: SYNE1 Deficiency; Spinocerebellar ataxia, autosomal recessive 8; ATAXIA, RECESSIVE, OF BEAUCE; SYNE1-Related Autosomal Recessive Cerebellar Ataxia. Identifiers: Orphanet 88644, MedGen C1853116, MONDO:0012549, OMIM 610743.
Emery-Dreifuss muscular dystrophy 4, autosomal dominant (EDMD4). Also called: EMERY-DREIFUSS MUSCULAR DYSTROPHY 4 WITH VARIABLE FEATURES. Identifiers: Orphanet 261, MedGen C2751807, MONDO:0013071, OMIM 612998.

Allele frequency attached by ClinVar (database versions not stated): ExAC 0.00001; gnomAD exomes below 0.00001.
gnomAD v4.1: 2 of 1,614,162 alleles (0.00012%); highest among the groups gnomAD compares: Admixed American, 0.0017%; no homozygotes.

Submission:

Labcorp Genetics (formerly Invitae), Labcorp
Classification: Pathogenic for Emery-Dreifuss muscular dystrophy 4, autosomal dominant; Autosomal recessive ataxia, Beauce type. Last evaluated: 2022-10-24. Review status: criteria provided, single submitter. Criteria: Invitae Variant Classification Sherloc (09022015). Collection method: clinical testing. Allele origin: germline.
Comment: For these reasons, this variant has been classified as Pathogenic. This sequence change creates a premature translational stop signal (p.Gln8558*) in the SYNE1 gene. It is expected to result in an absent or disrupted protein product. Loss-of-function variants in SYNE1 are known to be pathogenic (PMID: 19542096, 24319099, 27086870). This variant is present in population databases (rs749543411, gnomAD 0.003%). This variant has not been reported in the literature in individuals affected with SYNE1-related conditions.

Literature cited by the submitters: PubMed 19542096; PubMed 24319099; PubMed 27086870.

NM_182961.4(SYNE1):c.25816C>T (p.Gln8606Ter)

Gene: SYNE1 (spectrin repeat containing nuclear envelope protein 1; minus strand). Cytogenetic location: 6q25.2.
Variant type: single nucleotide variant.
Coding change: c.25816C>T on transcript NM_182961.4 (MANE Select); coding-DNA position 25816, C replaced by T.
Protein change: p.Gln8606Ter; replaces glutamine 8606 with a stop codon.
Molecular consequence: nonsense.
Genome position (GRCh38, 1-based): chr6:152,133,461, G>A on the plus strand (C>T on the coding strand, the complement: SYNE1 is on the minus strand). VCF-style: chr6-152133461-G-A. GRCh37 (hg19) VCF-style: chr6-152454596-G-A.
Other names: c.2422C>T, p.Gln808Ter (NM_001347701.2); c.2350C>T, p.Gln784Ter (NM_001347702.2); c.25672C>T, p.Gln8558Ter (NM_033071.5); short protein forms Q784*, Q8558*, Q8606*, Q808*.
Identifiers: ClinVar variation 2023489 (VCV002023489.4), dbSNP rs749543411, ClinGen allele CA4052728.